The following is an entry in ClinVar:

ClinVar aggregate classification (germline): Uncertain significance. Review status: criteria provided, multiple submitters, no conflicts (2 of 4 stars). 3 submissions from 3 submitters: Uncertain significance (3). Last evaluated 2023-11-10.

Conditions:
Hereditary cancer-predisposing syndrome. Also called: Neoplastic Syndromes, Hereditary; Hereditary Cancer Syndrome; Tumor predisposition; Hereditary neoplastic syndrome. Identifiers: Orphanet 140162, MedGen C0027672, MeSH D009386, MONDO:0015356.
Hereditary diffuse gastric adenocarcinoma (HDGC). Also called: DIFFUSE GASTRIC AND LOBULAR BREAST CANCER SYNDROME. Identifiers: Orphanet 26106, MedGen C1708349, MONDO:0007648, OMIM 137215.

Submissions (3):

GeneDx
Classification: Uncertain significance. Last evaluated: 2023-11-10. Review status: criteria provided, single submitter. Criteria: GeneDx Variant Classification Process June 2021. Collection method: clinical testing. Allele origin: germline. Affected: yes.
Comment: Not observed at significant frequency in large population cohorts (gnomAD); In silico analysis supports that this missense variant has a deleterious effect on protein structure/function; Has not been previously published as pathogenic or benign to our knowledge; This variant is associated with the following publications: (PMID: 15235021, 22850631)

Labcorp Genetics (formerly Invitae), Labcorp
Classification: Uncertain significance for Hereditary diffuse gastric adenocarcinoma. Last evaluated: 2018-04-12. Review status: criteria provided, single submitter. Criteria: Invitae Variant Classification Sherloc (09022015). Collection method: clinical testing. Allele origin: germline.
Comment: This sequence change replaces threonine with isoleucine at codon 578 of the CDH1 protein (p.Thr578Ile). The threonine residue is highly conserved and there is a moderate physicochemical difference between threonine and isoleucine. This variant is not present in population databases (ExAC no frequency). This variant has not been reported in the literature in individuals with CDH1-related disease. Algorithms developed to predict the effect of missense changes on protein structure and function (SIFT, PolyPhen-2, Align-GVGD) all suggest that this variant is likely to be disruptive, but these predictions have not been confirmed by published functional studies and their clinical significance is uncertain. In summary, the available evidence is currently insufficient to determine the role of this variant in disease. Therefore, it has been classified as a Variant of Uncertain Significance.

Ambry Genetics
Classification: Uncertain significance for Hereditary cancer-predisposing syndrome. Last evaluated: 2018-03-14. Review status: criteria provided, single submitter. Criteria: Ambry Variant Classification Scheme 2023. Collection method: clinical testing. Allele origin: germline.
Comment: The p.T578I variant (also known as c.1733C>T), located in coding exon 12 of the CDH1 gene, results from a C to T substitution at nucleotide position 1733. The threonine at codon 578 is replaced by isoleucine, an amino acid with similar properties. This amino acid position is highly conserved in available vertebrate species. In addition, the in silico prediction for this alteration is inconclusive. Since supporting evidence is limited at this time, the clinical significance of this alteration remains unclear.

NM_004360.5(CDH1):c.1733C>T (p.Thr578Ile)

Gene: CDH1 (cadherin 1; plus strand). Cytogenetic location: 16q22.1.
Variant type: single nucleotide variant.
Coding change: c.1733C>T on transcript NM_004360.5 (MANE Select); coding-DNA position 1733, C replaced by T.
Protein change: p.Thr578Ile; replaces threonine 578 with isoleucine.
Molecular consequence: missense variant. On other transcripts: 5 prime UTR variant (1).
Genome position (GRCh38, 1-based): chr16:68,822,022, C>T. VCF-style: chr16-68822022-C-T. GRCh37 (hg19) VCF-style: chr16-68855925-C-T.
Other names: c.1733C>T (LRG_301t1); c.1550C>T, p.Thr517Ile (NM_001317184.2); c.185C>T, p.Thr62Ile (NM_001317185.2); c.-233C>T (NM_001317186.2); short protein forms T578I, T517I, T62I.
Identifiers: ClinVar variation 582764 (VCV000582764.14), dbSNP rs1567512135, ClinGen allele CA396466327.